The following is an entry in ClinVar:

ClinVar aggregate classification (germline): Uncertain significance. Review status: criteria provided, multiple submitters, no conflicts (2 of 4 stars). 2 submissions from 2 submitters: Uncertain significance (2). Last evaluated 2024-06-12.

Conditions:
Cardiovascular phenotype. Identifiers: MedGen CN230736.

Allele frequency attached by ClinVar (database versions not stated): gnomAD exomes 0.00001; ExAC 0.00002; TOPMed 0.00002; gnomAD 0.00003.
gnomAD v4.1: 22 of 1,614,030 alleles (0.0014%); highest among the groups gnomAD compares: Non-Finnish European, 0.0019%; no homozygotes.

Submissions (2):

Blueprint Genetics
Classification: Uncertain significance. Last evaluated: 2024-06-12. Review status: criteria provided, single submitter. Criteria: ACMG Guidelines, 2015. Collection method: clinical testing. Allele origin: germline.

Ambry Genetics
Classification: Uncertain significance for Cardiovascular phenotype. Last evaluated: 2024-06-07. Review status: criteria provided, single submitter. Criteria: Ambry Variant Classification Scheme 2023. Collection method: clinical testing. Allele origin: germline.
Comment: The p.D1739V variant (also known as c.5216A>T), located in coding exon 27 of the SCN10A gene, results from an A to T substitution at nucleotide position 5216. The aspartic acid at codon 1739 is replaced by valine, an amino acid with highly dissimilar properties. This variant was detected in an individual with Brugada syndrome, who also had a variant in another cardiac disease gene (Stpie-Wojno M et al. Pol Arch Intern Med, 2018 12;128:721-730). This amino acid position is highly conserved in available vertebrate species. In addition, this alteration is predicted to be deleterious by in silico analysis. Since supporting evidence is limited at this time, the clinical significance of this alteration remains unclear.

Literature cited by the submitters: PubMed 30403391 (cited by Ambry Genetics).

NM_006514.4(SCN10A):c.5216A>T (p.Asp1739Val)

Gene: SCN10A (sodium voltage-gated channel alpha subunit 10; minus strand). Cytogenetic location: 3p22.2.
Variant type: single nucleotide variant.
Coding change: c.5216A>T on transcript NM_006514.4 (MANE Select); coding-DNA position 5216, A replaced by T.
Protein change: p.Asp1739Val; replaces aspartic acid 1739 with valine.
Molecular consequence: missense variant.
Genome position (GRCh38, 1-based): chr3:38,698,004, T>A on the plus strand (A>T on the coding strand, the complement: SCN10A is on the minus strand). VCF-style: chr3-38698004-T-A. GRCh37 (hg19) VCF-style: chr3-38739495-T-A.
Other names: c.5213A>T, p.Asp1738Val (NM_001293306.2); c.4922A>T, p.Asp1641Val (NM_001293307.2); short protein forms D1738V, D1641V, D1739V.
Identifiers: ClinVar variation 1746132 (VCV001746132.4), dbSNP rs760863009, ClinGen allele CA2319720.